The following is an entry in ClinVar:

NM_004984.4(KIF5A):c.291+5G>A

Gene: KIF5A (kinesin family member 5A; plus strand). Cytogenetic location: 12q13.3.
Variant type: single nucleotide variant.
Coding change: c.291+5G>A on transcript NM_004984.4 (MANE Select); 5 bases into the intron after coding-DNA position 291, G replaced by A.
Molecular consequence: intron variant.
Genome position (GRCh38, 1-based): chr12:57,563,698, G>A. VCF-style: chr12-57563698-G-A. GRCh37 (hg19) VCF-style: chr12-57957481-G-A.
Other names: c.130-762G>A (NM_001354705.2).
Identifiers: ClinVar variation 882059 (VCV000882059.8), dbSNP rs775732465, ClinGen allele CA6652543.

ClinVar aggregate classification (germline): Uncertain significance. Review status: criteria provided, multiple submitters, no conflicts (2 of 4 stars). 2 submissions from 2 submitters: Uncertain significance (2). Last evaluated 2025-09-27.

Conditions:
Spastic paraplegia. Identifiers: MedGen C0037772, HP:0001258.
Hereditary spastic paraplegia 10 (SPG10). Also called: SPASTIC PARAPLEGIA 10 WITH OR WITHOUT PERIPHERAL NEUROPATHY; SPASTIC PARAPLEGIA 10 WITH PERIPHERAL NEUROPATHY; SPASTIC PARAPLEGIA 10, AUTOSOMAL DOMINANT. Identifiers: Orphanet 100991, MedGen C1858712, MONDO:0011408, OMIM 604187.

Allele frequency attached by ClinVar (database versions not stated): TOPMed below 0.00001; ExAC 0.00001; gnomAD exomes 0.00001 and 0.00002.
gnomAD v4.1: 23 of 1,613,470 alleles (0.0014%); highest among the groups gnomAD compares: Non-Finnish European, 0.002%; no homozygotes.

Submissions (2):

Labcorp Genetics (formerly Invitae), Labcorp
Classification: Uncertain significance for Spastic paraplegia. Last evaluated: 2025-09-27. Review status: criteria provided, single submitter. Criteria: Invitae Variant Classification Sherloc (09022015). Collection method: clinical testing. Allele origin: germline.
Comment: This sequence change falls in intron 3 of the KIF5A gene. It does not directly change the encoded amino acid sequence of the KIF5A protein. It affects a nucleotide within the consensus splice site. This variant is present in population databases (rs775732465, gnomAD 0.003%). This variant has been observed in individual(s) with amyotrophic lateral sclerosis (PMID: 29566793). ClinVar contains an entry for this variant (Variation ID: 882059). Variants that disrupt the consensus splice site are a relatively common cause of aberrant splicing (PMID: 17576681, 9536098). Algorithms developed to predict the effect of sequence changes on RNA splicing suggest that this variant may disrupt the consensus splice site. In summary, the available evidence is currently insufficient to determine the role of this variant in disease. Therefore, it has been classified as a Variant of Uncertain Significance.

Illumina Laboratory Services, Illumina
Classification: Uncertain significance for Hereditary spastic paraplegia 10. Last evaluated: 2018-01-13. Review status: criteria provided, single submitter. Criteria: ICSL Variant Classification Criteria 13 December 2019. Collection method: clinical testing. Allele origin: germline.

Literature cited by the submitters: PubMed 29566793 (cited by Labcorp Genetics (formerly Invitae), Labcorp); PubMed 17576681 (cited by Labcorp Genetics (formerly Invitae), Labcorp); PubMed 9536098 (cited by Labcorp Genetics (formerly Invitae), Labcorp).